The following is an entry in ClinVar:

ClinVar aggregate classification (germline): Uncertain significance. Review status: criteria provided, multiple submitters, no conflicts (2 of 4 stars). 2 submissions from 2 submitters: Uncertain significance (2). Last evaluated 2025-08-01.

Allele frequency attached by ClinVar (database versions not stated): ESP Exome Variant Server 0.00008; TOPMed 0.00008; ExAC 0.00011; gnomAD 0.00013; gnomAD exomes 0.00016; 1000 Genomes Project 0.00040; 1000 Genomes Project 30x 0.00062.
gnomAD v4.1: 256 of 1,614,142 alleles (0.016%); highest among the groups gnomAD compares: Non-Finnish European, 0.02%; no homozygotes.

Submissions (2):

Ambry Genetics
Classification: Uncertain significance. Last evaluated: 2025-08-01. Review status: criteria provided, single submitter. Criteria: Ambry Variant Classification Scheme 2023. Collection method: clinical testing. Allele origin: germline.

Labcorp Genetics (formerly Invitae), Labcorp
Classification: Uncertain significance. Last evaluated: 2024-08-05. Review status: criteria provided, single submitter. Criteria: Invitae Variant Classification Sherloc (09022015). Collection method: clinical testing. Allele origin: germline.
Comment: This sequence change replaces arginine, which is basic and polar, with glutamine, which is neutral and polar, at codon 832 of the ZHX3 protein (p.Arg832Gln). This variant is present in population databases (rs200260351, gnomAD 0.03%). This variant has not been reported in the literature in individuals affected with ZHX3-related conditions. ClinVar contains an entry for this variant (Variation ID: 2184795). An algorithm developed to predict the effect of missense changes on protein structure and function (PolyPhen-2) suggests that this variant is likely to be tolerated. In summary, the available evidence is currently insufficient to determine the role of this variant in disease. Therefore, it has been classified as a Variant of Uncertain Significance.

NM_001384317.1(ZHX3):c.2495G>A (p.Arg832Gln)

Gene: ZHX3 (zinc fingers and homeoboxes 3; minus strand). Cytogenetic location: 20q12.
Variant type: single nucleotide variant.
Coding change: c.2495G>A on transcript NM_001384317.1 (MANE Select); coding-DNA position 2495, G replaced by A.
Protein change: p.Arg832Gln; replaces arginine 832 with glutamine.
Molecular consequence: missense variant.
Genome position (GRCh38, 1-based): chr20:41,202,422, C>T on the plus strand (G>A on the coding strand, the complement: ZHX3 is on the minus strand). VCF-style: chr20-41202422-C-T. GRCh37 (hg19) VCF-style: chr20-39831062-C-T.
Other names: c.2495G>A (NM_015035.3); c.2495G>A, p.Arg832Gln (NM_001384315.1, NM_001384316.1, NM_001384318.1 and 8 more transcripts); short protein forms R832Q.
Identifiers: ClinVar variation 2184795 (VCV002184795.5), dbSNP rs200260351, ClinGen allele CA9859780.
Genomic context (GRCh38, chr20:41,202,422, plus strand): 5'-TCCTGCAGGAGCTCCCGGTTGCCAGGGGCAATGACCAGTAGCCCTGGTGGGAAGTTGCCT[C>T]GCTTATAGTCTTCGTACCATTTGAGTTGGCCGTTCTTCAGTGCGTACCTGCTATCTCCAA-3'
Protein context (NP_001371246.1, residues 822-842): GQLKWYEDYK[Arg832Gln]GNFPPGLLVI